The following is an entry in ClinVar:

ClinVar aggregate classification (germline): Uncertain significance (1 of 4 stars; one submission).

Conditions:
Primary dilated cardiomyopathy (DCM). Also called: Dilated Cardiomyopathy. Identifiers: Orphanet 217604, MedGen C0007193, MeSH D002311, MONDO:0005021, HP:0001644. Inheritance: Various modes of inheritance.

gnomAD v4.1: 4 of 1,611,424 alleles (0.00025%); highest among the groups gnomAD compares: Admixed American, 0.0067%; no homozygotes.

Submission:

Labcorp Genetics (formerly Invitae), Labcorp
Classification: Uncertain significance for Primary dilated cardiomyopathy. Last evaluated: 2022-03-03. Review status: criteria provided, single submitter. Criteria: Invitae Variant Classification Sherloc (09022015). Collection method: clinical testing. Allele origin: germline.
Comment: This sequence change replaces glutamine, which is neutral and polar, with glutamic acid, which is acidic and polar, at codon 168 of the NEBL protein (p.Gln168Glu). This variant is present in population databases (rs764345344, gnomAD 0.009%). This variant has not been reported in the literature in individuals affected with NEBL-related conditions. Algorithms developed to predict the effect of missense changes on protein structure and function output the following: SIFT: "Tolerated"; PolyPhen-2: "Benign"; Align-GVGD: "Class C0". The glutamic acid amino acid residue is found in multiple mammalian species, which suggests that this missense change does not adversely affect protein function. In summary, the available evidence is currently insufficient to determine the role of this variant in disease. Therefore, it has been classified as a Variant of Uncertain Significance.

NM_006393.3(NEBL):c.502C>G (p.Gln168Glu)

Gene: NEBL (nebulette; minus strand). Cytogenetic location: 10p12.31.
Variant type: single nucleotide variant.
Coding change: c.502C>G on transcript NM_006393.3 (MANE Select); coding-DNA position 502, C replaced by G.
Protein change: p.Gln168Glu; replaces glutamine 168 with glutamic acid.
Molecular consequence: missense variant. On other transcripts: intron variant (9).
Genome position (GRCh38, 1-based): chr10:20,869,820, G>C on the plus strand (C>G on the coding strand, the complement: NEBL is on the minus strand). VCF-style: chr10-20869820-G-C. GRCh37 (hg19) VCF-style: chr10-21158749-G-C.
Other names: c.250-56880C>G (NM_001377326.1, NM_001377327.1, NM_001377328.1); c.358-56880C>G (NM_213569.2, NM_001173484.2, NM_001377322.1); c.301-56880C>G (NM_001377324.1); c.292-56880C>G (NM_001377325.1); c.310-56880C>G (NM_001377323.1); short protein forms Q168E.
Identifiers: ClinVar variation 1917864 (VCV001917864.5), dbSNP rs764345344, ClinGen allele CA5433220.